The following is an entry in ClinVar:

ClinVar aggregate classification (germline): Uncertain significance (1 of 4 stars; one submission).

Conditions:
Cardiovascular phenotype. Identifiers: MedGen CN230736.

gnomAD v4.1: 3 of 1,613,988 alleles (0.00019%); highest among the groups gnomAD compares: Non-Finnish European, 0.00017%; no homozygotes.

Submission:

Ambry Genetics
Classification: Uncertain significance for Cardiovascular phenotype. Last evaluated: 2025-01-27. Review status: criteria provided, single submitter. Criteria: Ambry Variant Classification Scheme 2023. Collection method: clinical testing. Allele origin: germline.
Comment: The p.S165R variant (also known as c.495T>G), located in coding exon 5 of the SPRED1 gene, results from a T to G substitution at nucleotide position 495. The serine at codon 165 is replaced by arginine, an amino acid with dissimilar properties. This amino acid position is conserved. In addition, this alteration is predicted to be tolerated by in silico analysis. Based on the available evidence, the clinical significance of this variant remains unclear.

NM_152594.3(SPRED1):c.495T>G (p.Ser165Arg)

Gene: SPRED1 (sprouty related EVH1 domain containing 1; plus strand). Cytogenetic location: 15q14.
Variant type: single nucleotide variant.
Coding change: c.495T>G on transcript NM_152594.3 (MANE Select); coding-DNA position 495, T replaced by G.
Protein change: p.Ser165Arg; replaces serine 165 with arginine.
Molecular consequence: missense variant.
Genome position (GRCh38, 1-based): chr15:38,339,808, T>G. VCF-style: chr15-38339808-T-G. GRCh37 (hg19) VCF-style: chr15-38632009-T-G.
Other names: short protein forms S165R.
Identifiers: ClinVar variation 3800909 (VCV003800909.1).